The following is an entry in ClinVar:

ClinVar aggregate classification (germline): Uncertain significance (1 of 4 stars; one submission).

Conditions:
Microcephaly 5, primary, autosomal recessive (MCPH5). Also called: ASPM Primary Microcephaly. Identifiers: Orphanet 2512, MedGen C1837501, MONDO:0012106, OMIM 608716.

Allele frequency attached by ClinVar (database versions not stated): gnomAD exomes below 0.00001.
gnomAD v4.1: 1 of 1,612,418 alleles (0.000062%); highest among the groups gnomAD compares: South Asian, 0.0011%; no homozygotes.

Submission:

Baylor Genetics
Classification: Uncertain significance for Microcephaly 5, primary, autosomal recessive. Last evaluated: 2020-07-27. Review status: criteria provided, single submitter. Criteria: ACMG Guidelines, 2015. Collection method: clinical testing. Allele origin: unknown. Affected: yes.
Comment: This variant was determined to be of uncertain significance according to ACMG Guidelines, 2015 [PMID:25741868].

NM_018136.5(ASPM):c.3115A>G (p.Arg1039Gly)

Gene: ASPM (assembly factor for spindle microtubules; minus strand). Cytogenetic location: 1q31.3.
Variant type: single nucleotide variant.
Coding change: c.3115A>G on transcript NM_018136.5 (MANE Select); coding-DNA position 3115, A replaced by G.
Protein change: p.Arg1039Gly; replaces arginine 1039 with glycine.
Molecular consequence: missense variant.
Genome position (GRCh38, 1-based): chr1:197,124,923, T>C on the plus strand (A>G on the coding strand, the complement: ASPM is on the minus strand). VCF-style: chr1-197124923-T-C. GRCh37 (hg19) VCF-style: chr1-197094053-T-C.
Other names: c.3115A>G, p.Arg1039Gly (NM_001206846.2); short protein forms R1039G.
Identifiers: ClinVar variation 1029517 (VCV001029517.1), dbSNP rs1259632140, ClinGen allele CA344044070.